The following is an entry in ClinVar:

NM_003482.4(KMT2D):c.14747C>T (p.Pro4916Leu)

Gene: KMT2D (lysine methyltransferase 2D; minus strand). Cytogenetic location: 12q13.12.
Variant type: single nucleotide variant.
Coding change: c.14747C>T on transcript NM_003482.4 (MANE Select); coding-DNA position 14747, C replaced by T.
Protein change: p.Pro4916Leu; replaces proline 4916 with leucine.
Molecular consequence: missense variant.
Genome position (GRCh38, 1-based): chr12:49,027,219, G>A on the plus strand (C>T on the coding strand, the complement: KMT2D is on the minus strand). VCF-style: chr12-49027219-G-A. GRCh37 (hg19) VCF-style: chr12-49421002-G-A.
Other names: short protein forms P4916L.
Identifiers: ClinVar variation 1300591 (VCV001300591.11), dbSNP rs529656123, ClinGen allele CA6545670.

ClinVar aggregate classification (germline): Conflicting classifications of pathogenicity. Review status: criteria provided, conflicting classifications (1 of 4 stars). 4 submissions from 4 submitters: Uncertain significance (1); Benign (2); Likely benign (1). Last evaluated 2025-06-19.

Conditions:
Choanal atresia-athelia-hypothyroidism-delayed puberty-short stature syndrome (BCAHH). Also called: BRANCHIAL ARCH ABNORMALITIES, CHOANAL ATRESIA, ATHELIA, HEARING LOSS, AND HYPOTHYROIDISM SYNDROME. Identifiers: Orphanet 589856, MedGen C5680310, MONDO:0035651, OMIM 620186.
Kabuki syndrome 1 (KABUK1). Also called: KMT2D-Related Kabuki Syndrome. Identifiers: Orphanet 2322, MedGen CN030661, MONDO:0007843, OMIM 147920.
KMT2D-related disorder. Also called: KMT2D-Related Disorders.
Kabuki syndrome. Also called: NIIKAWA-KUROKI SYNDROME; Kabuki make-up syndrome. Identifiers: Orphanet 2322, MedGen C0796004, MONDO:0016512.

Allele frequency attached by ClinVar (database versions not stated): gnomAD 0.00001 and 0.00003; gnomAD exomes 0.00002 and 0.00009; TOPMed 0.00002; ExAC 0.00010; 1000 Genomes Project 0.00020; 1000 Genomes Project 30x 0.00047.
gnomAD v4.1: 26 of 1,546,304 alleles (0.0017%); highest among the groups gnomAD compares: East Asian, 0.025%; no homozygotes.

Submissions (4):

PreventionGenetics, part of Exact Sciences
Classification: Likely benign for KMT2D-related condition. Last evaluated: 2025-06-19. Review status: criteria provided, single submitter. Criteria: ACMG Guidelines, 2015. Collection method: clinical testing. Allele origin: germline.
Comment: This variant is classified as likely benign based on ACMG/AMP sequence variant interpretation guidelines (Richards et al. 2015 PMID: 25741868, with internal and published modifications).

Labcorp Genetics (formerly Invitae), Labcorp
Classification: Benign for Kabuki syndrome. Last evaluated: 2024-08-06. Review status: criteria provided, single submitter. Criteria: Invitae Variant Classification Sherloc (09022015). Collection method: clinical testing. Allele origin: germline.

Fulgent Genetics
Classification: Uncertain significance for Kabuki syndrome 1; Choanal atresia-athelia-hypothyroidism-delayed puberty-short stature syndrome. Last evaluated: 2024-03-28. Review status: criteria provided, single submitter. Criteria: ACMG Guidelines, 2015. Collection method: clinical testing. Allele origin: germline.

GeneDx
Classification: Benign. Last evaluated: 2021-10-17. Review status: criteria provided, single submitter. Criteria: GeneDx Variant Classification Process June 2021. Collection method: clinical testing. Allele origin: germline. Affected: yes.